The following is an entry in ClinVar:

ClinVar aggregate classification (germline): Uncertain significance. Review status: criteria provided, single submitter (1 of 4 stars). 2 submissions from 2 submitters: Uncertain significance (1). 1 of the submissions does not count toward it. Last evaluated 2019-08-30.

Conditions:
Agenesis of the corpus callosum with peripheral neuropathy (ACCPN). Also called: CHARLEVOIX DISEASE; Hereditary Motor and Sensory Neuropathy with Agenesis of the Corpus Callosum; HMSN/ACC; POLYNEUROPATHY, SENSORIMOTOR, WITH OR WITHOUT AGENESIS OF THE CORPUS CALLOSUM. Identifiers: Orphanet 1496, MedGen C0795950, MONDO:0000902, OMIM 218000. Disease mechanism: loss of function.

Submissions (2):

GeneDx
Classification: Uncertain significance. Last evaluated: 2019-08-30. Review status: criteria provided, single submitter. Criteria: GeneDx Variant Classification Process June 2021. Collection method: clinical testing. Allele origin: germline. Affected: yes.
Comment: Not observed in large population cohorts (Lek et al., 2016); In silico analysis, which includes protein predictors and evolutionary conservation, supports a deleterious effect; Has not been previously published as pathogenic or benign to our knowledge

Natera, Inc.
Classification: Uncertain significance for Andermann syndrome. Last evaluated: 2025-05-12. Review status: no assertion criteria provided. Collection method: clinical testing. Allele origin: germline. Not counted in ClinVar's aggregate classification.

NM_001365088.1(SLC12A6):c.2564C>A (p.Thr855Lys)

Genes: SLC12A6 (solute carrier family 12 member 6; minus strand), LOC126862097 (P300/CBP strongly-dependent group 1 enhancer GRCh37_chr15:34531007-34532206; plus strand). Cytogenetic location: 15q14.
Variant type: single nucleotide variant.
Coding change: c.2564C>A on transcript NM_001365088.1 (MANE Select); coding-DNA position 2564, C replaced by A.
Protein change: p.Thr855Lys; replaces threonine 855 with lysine.
Molecular consequence: missense variant.
Genome position (GRCh38, 1-based): chr15:34,239,033, G>T on the plus strand (C>A on the coding strand, the complement: SLC12A6 is on the minus strand). VCF-style: chr15-34239033-G-T. GRCh37 (hg19) VCF-style: chr15-34531234-G-T.
Other names: c.2387C>A, p.Thr796Lys (NM_001042494.2, NM_001042495.2); c.2537C>A, p.Thr846Lys (NM_001042496.2); c.2519C>A, p.Thr840Lys (NM_001042497.2); c.2411C>A, p.Thr804Lys (NM_005135.2); c.2564C>A, p.Thr855Lys (NM_133647.2); short protein forms T796K, T804K, T840K, T846K, T855K.
Identifiers: ClinVar variation 1309757 (VCV001309757.3), dbSNP rs1260764451, ClinGen allele CA391619237.